The following is an entry in ClinVar:

NM_000051.4(ATM):c.3695del (p.Ser1232fs)

Gene: ATM (ATM serine/threonine kinase; plus strand). Cytogenetic location: 11q22.3.
Variant type: Deletion.
Coding change: c.3695del on transcript NM_000051.4 (MANE Select); coding-DNA position 3695, one base deleted (C; older notation c.3695delC).
Protein change: p.Ser1232fs; shifts the reading frame from serine 1232.
Molecular consequence: frameshift variant.
Genome position (GRCh38, 1-based): chr11:108,282,828, C deleted. VCF-style (leftmost placement, unchanged base first): chr11-108282827-TC-T. GRCh37 (hg19) VCF-style: chr11-108153554-TC-T.
Other names: c.3695del, p.Ser1232fs (NM_001351834.2); short protein forms S1232fs.
Identifiers: ClinVar variation 4168635 (VCV004168635.1).

ClinVar aggregate classification (germline): Pathogenic (1 of 4 stars; one submission).

Conditions:
Hereditary cancer-predisposing syndrome. Also called: Neoplastic Syndromes, Hereditary; Tumor predisposition; Hereditary Cancer Syndrome; Hereditary neoplastic syndrome. Identifiers: Orphanet 140162, MedGen C0027672, MeSH D009386, MONDO:0015356.

Submission:

Ambry Genetics
Classification: Pathogenic for Hereditary cancer-predisposing syndrome. Last evaluated: 2025-06-16. Review status: criteria provided, single submitter. Criteria: Ambry Variant Classification Scheme 2023. Collection method: clinical testing. Allele origin: germline.
Comment: The c.3695delC pathogenic mutation, located in coding exon 24 of the ATM gene, results from a deletion of one nucleotide at nucleotide position 3695, causing a translational frameshift with a predicted alternate stop codon (p.S1232Ffs*8). This variant is considered to be rare based on population cohorts in the Genome Aggregation Database (gnomAD). This alteration is expected to result in loss of function by premature protein truncation or nonsense-mediated mRNA decay. As such, this alteration is interpreted as a disease-causing mutation.